The following is an entry in ClinVar:

ClinVar aggregate classification (germline): Likely pathogenic (1 of 4 stars; one submission).

Conditions:
Cone-rod dystrophy 19 (CORD19). Identifiers: Orphanet 1872, MedGen C4014501, MONDO:0014372, OMIM 615860.

Submission:

Juno Genomics, Hangzhou Juno Genomics, Inc
Classification: Likely pathogenic for Cone-rod dystrophy 19. Review status: criteria provided, single submitter. Criteria: ACMG Guidelines, 2015. Collection method: clinical testing. Allele origin: germline.
Comment: Null variant in a gene where loss of function (LOF) is a known mechanism of disease.;Absent from controls (or at extremely low frequency if recessive) in Genome Aggregation Database.

NM_015072.5(TTLL5):c.1178del (p.Thr393fs)

Gene: TTLL5 (tubulin tyrosine ligase like 5; plus strand). Cytogenetic location: 14q24.3.
Variant type: Deletion.
Coding change: c.1178del on transcript NM_015072.5 (MANE Select); coding-DNA position 1178, one base deleted (C; older notation c.1178delC).
Protein change: p.Thr393fs; shifts the reading frame from threonine 393.
Molecular consequence: frameshift variant.
Genome position (GRCh38, 1-based): chr14:75,734,042, C deleted. VCF-style (leftmost placement, unchanged base first): chr14-75734041-AC-A. GRCh37 (hg19) VCF-style: chr14-76200384-AC-A.
Other names: short protein forms T393fs.
Identifiers: ClinVar variation 5005348 (VCV005005348.2).